The following is an entry in ClinVar:

ClinVar aggregate classification (germline): Benign/Likely benign. Review status: criteria provided, multiple submitters, no conflicts (2 of 4 stars). 4 submissions from 4 submitters: Benign (1); Likely benign (3). Last evaluated 2026-01-15.

Allele frequency attached by ClinVar (database versions not stated): 1000 Genomes Project 0.00539; 1000 Genomes Project 30x 0.00547; TOPMed 0.00853; gnomAD 0.00978 and 0.00989; ExAC 0.01039; gnomAD exomes 0.01056 and 0.01331; ESP Exome Variant Server 0.01069.
gnomAD v4.1: 20,871 of 1,613,860 alleles (1.3%); highest among the groups gnomAD compares: Non-Finnish European, 1.5%; 165 homozygotes.

Submissions (14):

Labcorp Genetics (formerly Invitae), Labcorp
Classification: Benign. Last evaluated: 2026-01-15. Review status: criteria provided, single submitter. Criteria: Invitae Variant Classification Sherloc (09022015). Collection method: clinical testing. Allele origin: germline.

Mayo Clinic Laboratories, Mayo Clinic
Classification: Likely benign. Last evaluated: 2025-08-18. Review status: criteria provided, single submitter. Criteria: ACMG Guidelines, 2015. Collection method: clinical testing. Allele origin: germline. Observed: 4 variant alleles.
Comment: BS1, BS2, BP4_moderate

GeneDx
Classification: Likely benign. Last evaluated: 2020-09-28. Review status: criteria provided, single submitter. Criteria: GeneDx Variant Classification Process June 2021. Collection method: clinical testing. Allele origin: germline. Affected: yes.

Breakthrough Genomics
Classification: Likely benign. Review status: criteria provided, single submitter. Criteria: ACMG Guidelines, 2015. Collection method: not provided. Allele origin: germline. Inheritance: Autosomal dominant inheritance. Affected: yes.

Dr. Peter K. Rogan Lab, Western University
No classification provided (evidence only). Condition: Clear cell carcinoma of kidney. Review status: no classification provided. Collection method: in vitro. Allele origin: not applicable. Functional consequence: retained intron. Not counted in ClinVar's aggregate classification.

Dr. Peter K. Rogan Lab, Western University
No classification provided (evidence only). Condition: Clear cell carcinoma of kidney. Review status: no classification provided. Collection method: in vitro. Allele origin: not applicable. Functional consequence: retained intron. Not counted in ClinVar's aggregate classification.

Dr. Peter K. Rogan Lab, Western University
No classification provided (evidence only). Condition: Lung cancer. Review status: no classification provided. Collection method: in vitro. Allele origin: not applicable. Functional consequence: retained intron. Not counted in ClinVar's aggregate classification.

Dr. Peter K. Rogan Lab, Western University
No classification provided (evidence only). Condition: Lung cancer. Review status: no classification provided. Collection method: in vitro. Allele origin: not applicable. Functional consequence: retained intron. Not counted in ClinVar's aggregate classification.

Dr. Peter K. Rogan Lab, Western University
No classification provided (evidence only). Condition: Acute myeloid leukemia. Review status: no classification provided. Collection method: in vitro. Allele origin: not applicable. Functional consequence: retained intron. Not counted in ClinVar's aggregate classification.

Dr. Peter K. Rogan Lab, Western University
No classification provided (evidence only). Condition: Colorectal cancer. Review status: no classification provided. Collection method: in vitro. Allele origin: not applicable. Functional consequence: retained intron. Not counted in ClinVar's aggregate classification.

Dr. Peter K. Rogan Lab, Western University
No classification provided (evidence only). Condition: Cervical cancer. Review status: no classification provided. Collection method: in vitro. Allele origin: not applicable. Functional consequence: retained intron. Not counted in ClinVar's aggregate classification.

Dr. Peter K. Rogan Lab, Western University
No classification provided (evidence only). Condition: Sarcoma. Review status: no classification provided. Collection method: in vitro. Allele origin: not applicable. Functional consequence: retained intron. Not counted in ClinVar's aggregate classification.

Dr. Peter K. Rogan Lab, Western University
No classification provided (evidence only). Condition: Hepatocellular carcinoma. Review status: no classification provided. Collection method: in vitro. Allele origin: not applicable. Functional consequence: retained intron. Not counted in ClinVar's aggregate classification.

Dr. Peter K. Rogan Lab, Western University
No classification provided (evidence only). Condition: Malignant tumor of esophagus. Review status: no classification provided. Collection method: in vitro. Allele origin: not applicable. Functional consequence: retained intron. Not counted in ClinVar's aggregate classification.

NM_018417.6(ADCY10):c.2125A>G (p.Ile709Val)

Gene: ADCY10 (adenylate cyclase 10; minus strand). Cytogenetic location: 1q24.2.
Variant type: single nucleotide variant.
Coding change: c.2125A>G on transcript NM_018417.6 (MANE Select); coding-DNA position 2125, A replaced by G.
Protein change: p.Ile709Val; replaces isoleucine 709 with valine.
Molecular consequence: missense variant.
Genome position (GRCh38, 1-based): chr1:167,856,211, T>C on the plus strand (A>G on the coding strand, the complement: ADCY10 is on the minus strand). VCF-style: chr1-167856211-T-C. GRCh37 (hg19) VCF-style: chr1-167825449-T-C.
Other names: p.Ile709Val; c.1666A>G, p.Ile556Val (NM_001167749.3); c.1849A>G, p.Ile617Val (NM_001297772.2); short protein forms I556V, I617V, I709V.
Identifiers: ClinVar variation 1167410 (VCV001167410.12), dbSNP rs112466731, ClinGen allele CA1227734.